The following is an entry in ClinVar:

NM_000038.6(APC):c.4525C>G (p.Leu1509Val)

Gene: APC (APC regulator of Wnt signaling pathway; plus strand). Cytogenetic location: 5q22.2.
Variant type: single nucleotide variant.
Coding change: c.4525C>G on transcript NM_000038.6 (MANE Select); coding-DNA position 4525, C replaced by G.
Protein change: p.Leu1509Val; replaces leucine 1509 with valine.
Molecular consequence: missense variant.
Genome position (GRCh38, 1-based): chr5:112,840,119, C>G. VCF-style: chr5-112840119-C-G. GRCh37 (hg19) VCF-style: chr5-112175816-C-G.
Other names: c.4525C>G, p.Leu1509Val (NM_001127510.3, NM_001354895.2); c.4471C>G, p.Leu1491Val (NM_001127511.3); c.4579C>G, p.Leu1527Val (NM_001354896.2); c.4555C>G, p.Leu1519Val (NM_001354897.2); c.4450C>G, p.Leu1484Val (NM_001354898.2); c.4441C>G, p.Leu1481Val (NM_001354899.2); c.4402C>G, p.Leu1468Val (NM_001354900.2); c.4348C>G, p.Leu1450Val (NM_001354901.2); and 5 more; short protein forms L1491V, L1509V, L1349V, L1527V, L1226V, L1408V, L1519V, L1383V.
Identifiers: ClinVar variation 141216 (VCV000141216.25), dbSNP rs572839648, ClinGen allele CA009603.

ClinVar aggregate classification (germline): Uncertain significance. Review status: criteria provided, multiple submitters, no conflicts (2 of 4 stars). 5 submissions from 5 submitters: Uncertain significance (5). Last evaluated 2025-10-29.

Conditions:
Hereditary cancer-predisposing syndrome. Also called: Neoplastic Syndromes, Hereditary; Tumor predisposition; Hereditary Cancer Syndrome; Hereditary neoplastic syndrome. Identifiers: Orphanet 140162, MedGen C0027672, MeSH D009386, MONDO:0015356.
Familial adenomatous polyposis 1 (FAP1). Also called: FAMILIAL ADENOMATOUS POLYPOSIS 1, ATTENUATED; POLYPOSIS, ADENOMATOUS INTESTINAL. Identifiers: MedGen C2713442, MONDO:0021056, OMIM 175100. Disease mechanism: loss of function.

gnomAD v4.1: 2 of 1,614,060 alleles (0.00012%); highest among the groups gnomAD compares: Non-Finnish European, 0.00017%; no homozygotes.

Submissions (5):

Ambry Genetics
Classification: Uncertain significance for Hereditary cancer-predisposing syndrome. Last evaluated: 2025-10-29. Review status: criteria provided, single submitter. Criteria: Ambry Variant Classification Scheme 2023. Collection method: clinical testing. Allele origin: germline.
Comment: The p.L1509V variant (also known as c.4525C>G), located in coding exon 15 of the APC gene, results from a C to G substitution at nucleotide position 4525. The leucine at codon 1509 is replaced by valine, an amino acid with highly similar properties. This amino acid position is highly conserved in available vertebrate species. In addition, in silico predictors for this gene do not accurately predict pathogenicity. Missense variants in APC are not a common cause of disease (Spier I et al. Genet Med. 2024 Feb;26(2):100992). Based on the available evidence, the clinical significance of this variant remains unclear.

Labcorp Genetics (formerly Invitae), Labcorp
Classification: Uncertain significance for Familial adenomatous polyposis 1. Last evaluated: 2025-06-27. Review status: criteria provided, single submitter. Criteria: Invitae Variant Classification Sherloc (09022015). Collection method: clinical testing. Allele origin: germline.
Comment: This sequence change replaces leucine, which is neutral and non-polar, with valine, which is neutral and non-polar, at codon 1509 of the APC protein (p.Leu1509Val). This variant is not present in population databases (gnomAD no frequency). This variant has not been reported in the literature in individuals affected with APC-related conditions. ClinVar contains an entry for this variant (Variation ID: 141216). Invitae Evidence Modeling of protein sequence and biophysical properties (such as structural, functional, and spatial information, amino acid conservation, physicochemical variation, residue mobility, and thermodynamic stability) indicates that this missense variant is not expected to disrupt APC protein function with a negative predictive value of 95%. In summary, the available evidence is currently insufficient to determine the role of this variant in disease. Therefore, it has been classified as a Variant of Uncertain Significance.

Color Diagnostics, LLC DBA Color Health
Classification: Uncertain significance for Hereditary cancer-predisposing syndrome. Last evaluated: 2023-12-04. Review status: criteria provided, single submitter. Criteria: ACMG Guidelines, 2015. Collection method: clinical testing. Allele origin: germline.
Comment: This missense variant replaces leucine with valine at codon 1509 of the APC protein. Computational prediction suggests that this variant may have deleterious impact on protein structure and function (internally defined REVEL score threshold >= 0.7, PMID: 27666373). To our knowledge, functional studies have not been reported for this variant. This variant has not been reported in individuals affected with APC-related disorders in the literature. This variant has not been identified in the general population by the Genome Aggregation Database (gnomAD). The available evidence is insufficient to determine the role of this variant in disease conclusively. Therefore, this variant is classified as a Variant of Uncertain Significance.

Baylor Genetics
Classification: Uncertain significance for Familial adenomatous polyposis 1. Last evaluated: 2023-05-05. Review status: criteria provided, single submitter. Criteria: ACMG Guidelines, 2015. Collection method: clinical testing. Allele origin: unknown.

GeneDx
Classification: Uncertain significance. Last evaluated: 2021-05-24. Review status: criteria provided, single submitter. Criteria: GeneDx Variant Classification Process June 2021. Collection method: clinical testing. Allele origin: germline. Affected: yes.
Comment: Not observed in large population cohorts (Lek 2016); In silico analysis supports that this missense variant does not alter protein structure/function; Has not been previously published as pathogenic or benign to our knowledge